The following is an entry in ClinVar:

ClinVar aggregate classification (germline): Uncertain significance (1 of 4 stars; one submission).

Conditions:
Hypertrophic cardiomyopathy. Also called: HYPERTROPHIC MYOCARDIOPATHY. Identifiers: Orphanet 217569, MedGen C0007194, MeSH D002312, MONDO:0005045, HP:0001639.

Submission:

Labcorp Genetics (formerly Invitae), Labcorp
Classification: Uncertain significance for Hypertrophic cardiomyopathy. Last evaluated: 2024-05-08. Review status: criteria provided, single submitter. Criteria: Invitae Variant Classification Sherloc (09022015). Collection method: clinical testing. Allele origin: germline.
Comment: This sequence change replaces arginine, which is basic and polar, with proline, which is neutral and non-polar, at codon 136 of the TNNI3 protein (p.Arg136Pro). This variant is not present in population databases (gnomAD no frequency). This variant has not been reported in the literature in individuals affected with TNNI3-related conditions. An algorithm developed to predict the effect of missense changes on protein structure and function (PolyPhen-2) suggests that this variant is likely to be disruptive. Algorithms developed to predict the effect of sequence changes on RNA splicing suggest that this variant may disrupt the consensus splice site. This variant disrupts the p.Arg136 amino acid residue in TNNI3. Other variant(s) that disrupt this residue have been determined to be pathogenic (PMID: 20624503, 22765922, 28356264; Invitae). This suggests that this residue is clinically significant, and that variants that disrupt this residue are likely to be disease-causing. In summary, the available evidence is currently insufficient to determine the role of this variant in disease. Therefore, it has been classified as a Variant of Uncertain Significance.

Literature cited by the submitters: PubMed 20624503; PubMed 22765922; PubMed 28356264.

NM_000363.5(TNNI3):c.407G>C (p.Arg136Pro)

Gene: TNNI3 (troponin I3, cardiac type; minus strand). Cytogenetic location: 19q13.42.
Variant type: single nucleotide variant.
Coding change: c.407G>C on transcript NM_000363.5 (MANE Select); coding-DNA position 407, G replaced by C.
Protein change: p.Arg136Pro; replaces arginine 136 with proline.
Molecular consequence: missense variant.
Genome position (GRCh38, 1-based): chr19:55,154,172, C>G on the plus strand (G>C on the coding strand, the complement: TNNI3 is on the minus strand). VCF-style: chr19-55154172-C-G. GRCh37 (hg19) VCF-style: chr19-55665540-C-G.
Other names: short protein forms R136P.
Identifiers: ClinVar variation 2996639 (VCV002996639.3), dbSNP rs730881069, ClinGen allele CA407440672.
Genomic context (GRCh38, chr19:55,154,172, plus strand): 5'-TGCATCATGGCATCTGCAGAGATCCTCACTCTCCGCAGGGTGGGCCGCTTAAACTTGCCT[C>G]GAAGGTCAAAGATCTTCTGAGTCAGATCTGCAATCTGGGGGCACACGAGGGGGTGGGTAC-3'
Protein context (NP_000354.4, residues 126-146): ADLTQKIFDL[Arg136Pro]GKFKRPTLRR